The following is an entry in ClinVar:

ClinVar aggregate classification (germline): Uncertain significance. Review status: reviewed by expert panel (3 of 4 stars). 13 submissions from 13 submitters: Uncertain significance (1). 12 of the submissions do not count toward it. Last evaluated 2025-11-13.

Conditions:
TNNT2-related disorder. Also called: TNNT2-related condition.
Cardiovascular phenotype. Identifiers: MedGen CN230736.
Hypertrophic cardiomyopathy 2. Also called: TNNT2-Related Familial Hypertrophic Cardiomyopathy. Identifiers: MedGen C1861864, MONDO:0007266, OMIM 115195.
Dilated cardiomyopathy 1D. Identifiers: Orphanet 154, Orphanet 54260, MedGen C1832243, MONDO:0011095, OMIM 601494.
Cardiomyopathy, familial restrictive, 3. Identifiers: Orphanet 75249, MedGen C2676271, MONDO:0012900, OMIM 612422.
Cardiomyopathy (CMYO). Also called: Cardiomyopathies. Identifiers: Orphanet 167848, MedGen C0878544, MONDO:0004994, HP:0001638. Inheritance: Various modes of inheritance.
Hypertrophic cardiomyopathy 1 (CMH1). Also called: MYH7-Related Familial Hypertrophic Cardiomyopathy; Familial hypertrophic cardiomyopathy 1. Identifiers: MedGen C3495498, MONDO:0008647, OMIM 192600.
Primary familial hypertrophic cardiomyopathy (HCM). Identifiers: Orphanet 99739, MedGen C0949658, MeSH D024741, MONDO:0024573. Inheritance: Various modes of inheritance.
Hypertrophic cardiomyopathy. Also called: HYPERTROPHIC MYOCARDIOPATHY. Identifiers: Orphanet 217569, MedGen C0007194, MeSH D002312, MONDO:0005045, HP:0001639.

Allele frequency attached by ClinVar (database versions not stated): ExAC 0.00001; gnomAD 0.00001; gnomAD exomes 0.00002; TOPMed 0.00002.
gnomAD v4.1: 24 of 1,610,372 alleles (0.0015%); highest among the groups gnomAD compares: Middle Eastern, 0.05%; 1 homozygote.

Submissions 1 to 5 of 13:

ClinGen Cardiomyopathy Variant Curation Expert Panel
Classification: Uncertain significance for Hypertrophic cardiomyopathy. Last evaluated: 2025-11-13. Review status: reviewed by expert panel. Criteria: ClinGen CMP ACMG Specifications TNNT2 V1.0.0. Collection method: curation. Allele origin: germline. Inheritance: Autosomal dominant inheritance.
Comment: NM_001276345.2(TNNT2):c.886C>T (p.Arg296Cys) - This variant has been reported in individuals with HCM (PMIDs: 12707239, 15958377, 23785128, 25524337, 27532257, 28790153), but is not statistically increased in individuals with HCM compared to controls [OR lower 95% CI <5] with respect to autosomal dominant disease. Therefore, the PS4 criterion has not been applied. This variant is present in gnomAD (v2.1.1), but did not meet the threshold for PM2. This variant has been observed to segregate with disease (OMGL Data), but is insufficient to apply PP1. Computational prediction tools are inconclusive about the potential impact of this variant (REVEL score <0.7). In summary, this variant is classified as Uncertain Significance for HCM in an autosomal dominant manner.

Labcorp Genetics (formerly Invitae), Labcorp
Classification: Pathogenic for Cardiomyopathy, familial restrictive, 3; Hypertrophic cardiomyopathy 2; Dilated cardiomyopathy 1D. Last evaluated: 2026-02-01. Review status: criteria provided, single submitter. Criteria: Invitae Variant Classification Sherloc (09022015). Collection method: clinical testing. Allele origin: germline. Not counted in ClinVar's aggregate classification.
Comment: This sequence change replaces arginine, which is basic and polar, with cysteine, which is neutral and slightly polar, at codon 286 of the TNNT2 protein (p.Arg286Cys). This variant is present in population databases (rs367785431, gnomAD 0.02%). This missense change has been observed in individuals with hypertrophic cardiomyopathy (PMID: 12707239, 15958377, 23785128, 25524337, 32290750). This variant is also known as p.Arg293Cys. ClinVar contains an entry for this variant (Variation ID: 43676). Invitae Evidence Modeling of protein sequence and biophysical properties (such as structural, functional, and spatial information, amino acid conservation, physicochemical variation, residue mobility, and thermodynamic stability) indicates that this missense variant is expected to disrupt TNNT2 protein function with a positive predictive value of 95%. For these reasons, this variant has been classified as Pathogenic.

Women's Health and Genetics/Laboratory Corporation of America, LabCorp
Classification: Likely pathogenic for Primary familial hypertrophic cardiomyopathy. Last evaluated: 2026-01-12. Review status: criteria provided, single submitter. Criteria: LabCorp Variant Classification Summary - May 2015. Collection method: clinical testing. Allele origin: germline. Not counted in ClinVar's aggregate classification.
Comment: Variant summary: TNNT2 c.856C>T (p.Arg286Cys) results in a non-conservative amino acid change in the encoded protein sequence. Algorithms developed to predict the effect of missense changes on protein structure and function are either unavailable or do not agree on the potential impact of this missense change. The variant allele was found at a frequency of 1.5e-05 in 1610372 control chromosomes in the gnomAD database (v4.1 dataset), including 1 homozygote. This frequency is not significantly higher than the maximum estimated for disease-causing variants in TNNT2, allowing no conclusion about variant significance. The variant, c.856C>T, has been observed in several individuals affected with Hypertrophic Cardiomyopathy (HCM) (e.g. Richard_2003, Miliou_2005, Mook_2013, Burns_2017). In addition, large-scale case-control studies found that the variant is moderately enriched in HCM cohorts compared with the general population, and likely represent a low penetrance variant (McGurk_2023, Meisner_2025); such variants are generally associated with an older age of HCM diagnosis, however, in combination with other pathogenic variants might have additive effects (i.e. conferring higher morbidity). Publications also reported experimental evidence evaluating an impact on protein function, and demonstrated an intermediate functional effect in cardiomyocytes, resulting in increased Ca2+ sensitivity with higher contractility and reduced relaxation velocity (Meisner_2025), in addition, other results suggested that this variant might affect protein interaction (Cao_2025). The following publications have been ascertained in the context of this evaluation (PMID: 12707239, 15958377, 23785128, 28790153, 37937776, 37652022, 39633578, 40591592). ClinVar contains an entry for this variant (Variation ID: 43676). In conclusion, this variant likely represent a milder allele that presents with later onset and incomplete penetrance. Based on the evidence outlined above, the variant was classified as likely pathogenic.

Ambry Genetics
Classification: Likely pathogenic for Cardiovascular phenotype. Last evaluated: 2025-11-21. Review status: criteria provided, single submitter. Criteria: Ambry Variant Classification Scheme 2023. Collection method: clinical testing. Allele origin: germline. Not counted in ClinVar's aggregate classification.
Comment: The p.R286C variant (also known as c.856C>T), located in coding exon 15 of the TNNT2 gene, results from a C to T substitution at nucleotide position 856. The arginine at codon 286 is replaced by cysteine, an amino acid with highly dissimilar properties. This variant (also known as p.R293C c.877C>T) has been reported in several individuals with hypertrophic cardiomyopathy (HCM) and was described as co-segregating in a relative with a subclinical form of HCM in one family (Richard P et al. Circulation. 2003;107(17):2227-32; Miliou A et al. Heart. 2005;91(7):966-7; Mook OR et al. J Med Genet. 2013;50(9):614-26; Coppini R et al. J Am Coll Cardiol. 2014;64(24):2589-600; Burns C et al. Circ Cardiovasc Genet, 2017 Aug;10:Epub ahead of print]; Walsh R et al. Genet Med, 2017 02;19:192-203; Parbhudayal RY et al. J Am Heart Assoc, 2020 04;9:e015316; Ambry internal data). This amino acid position is well conserved in available vertebrate species. In addition, this alteration is predicted to be deleterious by in silico analysis. Based on the majority of available evidence to date, this variant is likely to be pathogenic.

Color Diagnostics, LLC DBA Color Health
Classification: Likely pathogenic for Cardiomyopathy. Last evaluated: 2025-09-12. Review status: criteria provided, single submitter. Criteria: ACMG Guidelines, 2015. Collection method: clinical testing. Allele origin: germline. Not counted in ClinVar's aggregate classification.
Comment: This missense variant replaces arginine with cysteine at codon 286 in the tropomyosin binding domain 2 of the TNNT2 protein. Functional studies have shown that this variant affects cardiac muscle contractility (PMID: 39633578) and results in a decreased binding to tropomyosin (PMID: 40672242). This variant has been reported in more than 10 individuals affected with hypertrophic cardiomyopathy (PMID: 12707239, 15958377, 23785128, 25524337, 27532257, 28408708, 28790153, 31941943, 33495596, 33495597). This variant has been reported to be strongly enriched in the Sarcomeric Human Cardiomyopathy Registry (OR = 55.6, 95% CI: 26.6-116.3) (PMID: 39633578). This variant has also been reported in individuals affected with left ventricular hypertrophy (PMID: 32290750), arrhythmia (PMID: 30847666), and sudden unexplained death (PMID: 27707468). This variant has been identified in 6/242990 chromosomes in the general population by the Genome Aggregation Database (gnomAD). Based on the available evidence, this variant is classified as Likely Pathogenic.

NM_001276345.2(TNNT2):c.886C>T (p.Arg296Cys)

Gene: TNNT2 (troponin T2, cardiac type; minus strand). Cytogenetic location: 1q32.1.
Variant type: single nucleotide variant.
Coding change: c.886C>T on transcript NM_001276345.2 (MANE Select); coding-DNA position 886, C replaced by T.
Protein change: p.Arg296Cys; replaces arginine 296 with cysteine.
Molecular consequence: missense variant.
Genome position (GRCh38, 1-based): chr1:201,359,221, G>A on the plus strand (C>T on the coding strand, the complement: TNNT2 is on the minus strand). VCF-style: chr1-201359221-G-A. GRCh37 (hg19) VCF-style: chr1-201328349-G-A.
Other names: c.877C>T, p.Arg293Cys (NM_000364.4); c.856C>T, p.Arg286Cys (NM_001001430.3, NM_001276347.2); c.847C>T, p.Arg283Cys (NM_001001431.3); c.838C>T, p.Arg280Cys (NM_001001432.3); c.757C>T, p.Arg253Cys (NM_001276346.2); short protein forms R286C, R293C, R280C, R296C, R283C, R253C.
Identifiers: ClinVar variation 43676 (VCV000043676.36), dbSNP rs367785431, ClinGen allele CA088845.